The following is an entry in ClinVar:

ClinVar aggregate classification (germline): Uncertain significance (1 of 4 stars; one submission).

Conditions:
Dyskeratosis congenita, autosomal dominant 2. Identifiers: MedGen C3151443, MONDO:0013521, OMIM 613989.
Idiopathic Pulmonary Fibrosis. Also called: Idiopathic fibrosing alveolitis, chronic form; idiopathic fibrosing alveolitis. Identifiers: Orphanet 2032, MedGen C1800706, MeSH D054990, MONDO:0800504.

gnomAD v4.1: 2 of 1,614,184 alleles (0.00012%); highest among the groups gnomAD compares: Non-Finnish European, 0.00017%; no homozygotes.

Submission:

Labcorp Genetics (formerly Invitae), Labcorp
Classification: Uncertain significance for Dyskeratosis congenita, autosomal dominant 2; Idiopathic Pulmonary Fibrosis. Last evaluated: 2023-02-14. Review status: criteria provided, single submitter. Criteria: Invitae Variant Classification Sherloc (09022015). Collection method: clinical testing. Allele origin: germline.
Comment: This missense change has been observed in individual(s) with myelodysplastic syndrome (PMID: 34019641). In summary, the available evidence is currently insufficient to determine the role of this variant in disease. Therefore, it has been classified as a Variant of Uncertain Significance. Experimental studies are conflicting or provide insufficient evidence to determine the effect of this variant on TERT function (PMID: 34019641). Algorithms developed to predict the effect of missense changes on protein structure and function output the following: SIFT: "Tolerated"; PolyPhen-2: "Benign"; Align-GVGD: "Class C0". The leucine amino acid residue is found in multiple mammalian species, which suggests that this missense change does not adversely affect protein function. This variant is not present in population databases (gnomAD no frequency). This sequence change replaces valine, which is neutral and non-polar, with leucine, which is neutral and non-polar, at codon 741 of the TERT protein (p.Val741Leu).

Literature cited by the submitters: PubMed 34019641.

NM_198253.3(TERT):c.2221G>C (p.Val741Leu)

Gene: TERT (telomerase reverse transcriptase; minus strand). Cytogenetic location: 5p15.33.
Variant type: single nucleotide variant.
Coding change: c.2221G>C on transcript NM_198253.3 (MANE Select); coding-DNA position 2221, G replaced by C.
Protein change: p.Val741Leu; replaces valine 741 with leucine.
Molecular consequence: missense variant. On other transcripts: non-coding transcript variant (2).
Genome position (GRCh38, 1-based): chr5:1,278,706, C>G on the plus strand (G>C on the coding strand, the complement: TERT is on the minus strand). VCF-style: chr5-1278706-C-G. GRCh37 (hg19) VCF-style: chr5-1278821-C-G.
Other names: c.2221G>C, p.Val741Leu (NM_001193376.3, NM_003219.1); short protein forms V741L.
Identifiers: ClinVar variation 2944258 (VCV002944258.3), dbSNP rs150819225, ClinGen allele CA359079222.